The following is an entry in ClinVar:

NM_014844.5(TECPR2):c.1139C>T (p.Ala380Val)

Gene: TECPR2 (tectonin beta-propeller repeat containing 2; plus strand). Cytogenetic location: 14q32.31.
Variant type: single nucleotide variant.
Coding change: c.1139C>T on transcript NM_014844.5 (MANE Select); coding-DNA position 1139, C replaced by T.
Protein change: p.Ala380Val; replaces alanine 380 with valine.
Molecular consequence: missense variant.
Genome position (GRCh38, 1-based): chr14:102,431,850, C>T. VCF-style: chr14-102431850-C-T. GRCh37 (hg19) VCF-style: chr14-102898187-C-T.
Other names: c.1139C>T, p.Ala380Val (NM_001172631.3); c.1139C>T (NM_014844.3); short protein forms A380V.
Identifiers: ClinVar variation 1163090 (VCV001163090.15), dbSNP rs757311707, ClinGen allele CA7357653.

ClinVar aggregate classification (germline): Uncertain significance. Review status: criteria provided, multiple submitters, no conflicts (2 of 4 stars). 3 submissions from 3 submitters: Uncertain significance (3). Last evaluated 2025-04-01.

Conditions:
Inborn genetic diseases. Identifiers: MedGen C0950123, MeSH D030342.

Allele frequency attached by ClinVar (database versions not stated): ExAC 0.00002; gnomAD 0.00002; TOPMed 0.00002.
gnomAD v4.1: 30 of 1,599,368 alleles (0.0019%); highest among the groups gnomAD compares: East Asian, 0.0022%; no homozygotes.

Submissions (3):

CeGaT Center for Human Genetics Tuebingen
Classification: Uncertain significance. Last evaluated: 2025-04-01. Review status: criteria provided, single submitter. Criteria: CeGaT Center For Human Genetics Tuebingen Variant Classification Criteria Version 2. Collection method: clinical testing. Allele origin: germline. Affected: yes. Observed: 1 variant allele.
Comment: TECPR2: PM2, BP4

Ambry Genetics
Classification: Uncertain significance for Inborn genetic diseases. Last evaluated: 2022-12-06. Review status: criteria provided, single submitter. Criteria: Ambry Variant Classification Scheme 2023. Collection method: clinical testing. Allele origin: germline.

Mayo Clinic Laboratories, Mayo Clinic
Classification: Uncertain significance. Last evaluated: 2019-10-14. Review status: criteria provided, single submitter. Criteria: ACMG Guidelines, 2015. Collection method: clinical testing. Allele origin: germline. Observed: 1 variant allele.